The following is an entry in ClinVar:

ClinVar aggregate classification (germline): Uncertain significance. Review status: criteria provided, multiple submitters, no conflicts (2 of 4 stars). 2 submissions from 2 submitters: Uncertain significance (2). Last evaluated 2023-05-08.

Conditions:
Cardiovascular phenotype. Identifiers: MedGen CN230736.
Familial isolated arrhythmogenic right ventricular dysplasia. Identifiers: Orphanet 217656, MedGen C4274968, MONDO:0016342.

Allele frequency attached by ClinVar (database versions not stated): gnomAD exomes below 0.00001.
gnomAD v4.1: 1 of 1,613,800 alleles (0.000062%); highest among the groups gnomAD compares: Non-Finnish European, 0.000085%; no homozygotes.

Submissions (2):

All of Us Research Program, National Institutes of Health
Classification: Uncertain significance for Familial isolated arrhythmogenic right ventricular dysplasia. Last evaluated: 2023-05-08. Review status: criteria provided, single submitter. Criteria: ACMG Guidelines, 2015. Collection method: clinical testing. Allele origin: germline. Inheritance: Autosomal dominant inheritance. Observed: 1 variant allele, 1 heterozygote.
Comment: This study involves interpretation of variants in research participants for the purpose of population health screening. Participant phenotype was not available at the time of variant classification. Additional details can be found in publication PMID: 35346344, PMCID: PMC8962531

Ambry Genetics
Classification: Uncertain significance for Cardiovascular phenotype. Last evaluated: 2013-02-18. Review status: criteria provided, single submitter. Criteria: Ambry Autosomal Dominant and X-Linked criteria (10/2015). Collection method: clinical testing. Allele origin: germline. Observed: 1 variant allele.
Comment: Ã¢â‚¬â€¹The p.V79G variant (also known as c.236T>G) is located in coding exon 3 of the DSC2 gene. This alteration results from a T to G substitution at nucleotide position 236. The valine at codon 79 is replaced by glycine, an amino acid with dissimilar properties. This variant was not reported in population-based cohorts in the following databases: Database of Single Nucleotide Polymorphisms (dbSNP), NHLBI Exome Sequencing Project (ESP) and 1000 Genomes Project. Based on protein sequence alignment, this amino acid position is well conserved in available vertebrate species. In addition, the in silico prediction for this alteration is inconclusive. Since supporting evidence is limited at this time, the clinical significance of p.V79G remains unclear.

NM_024422.6(DSC2):c.236T>G (p.Val79Gly)

Gene: DSC2 (desmocollin 2; minus strand). Cytogenetic location: 18q12.1.
Variant type: single nucleotide variant.
Coding change: c.236T>G on transcript NM_024422.6 (MANE Select); coding-DNA position 236, T replaced by G.
Protein change: p.Val79Gly; replaces valine 79 with glycine.
Molecular consequence: missense variant.
Genome position (GRCh38, 1-based): chr18:31,092,219, A>C on the plus strand (T>G on the coding strand, the complement: DSC2 is on the minus strand). VCF-style: chr18-31092219-A-C. GRCh37 (hg19) VCF-style: chr18-28672182-A-C.
Other names: c.236T>G, p.Val79Gly (NM_004949.5); short protein forms V79G.
Identifiers: ClinVar variation 263500 (VCV000263500.4), dbSNP rs886038828, ClinGen allele CA10587908.